The following is an entry in ClinVar:

NM_000843.4(GRM6):c.68_82del (p.Gln23_Ala27del)

Gene: GRM6 (glutamate metabotropic receptor 6; minus strand). Cytogenetic location: 5q35.3.
Variant type: Deletion.
Coding change: c.68_82del on transcript NM_000843.4 (MANE Select); coding-DNA positions 68 to 82, 15 bases deleted (AGGCGGGCCTGGCGC).
Protein change: p.Gln23_Ala27del.
Molecular consequence: inframe deletion.
Genome position (GRCh38, 1-based): chr5:178,994,863-178,994,877, GCGCCAGGCCCGCCT deleted on the plus strand (AGGCGGGCCTGGCGC on the coding strand, the reverse complement: GRM6 is on the minus strand); deleting any 15 consecutive bases within chr5:178,994,863-178,994,884 gives the same sequence; the c. name uses the placement nearest the transcript's 3' end. VCF-style (leftmost placement, unchanged base first): chr5-178994862-CGCGCCAGGCCCGCCT-C. GRCh37 (hg19) VCF-style: chr5-178421863-CGCGCCAGGCCCGCCT-C.
Other names: c.68_82del15 (NM_000843.3).
Identifiers: ClinVar variation 1124368 (VCV001124368.10), dbSNP rs757326094, ClinGen allele CA564902077.

ClinVar aggregate classification (germline): Likely benign. Review status: criteria provided, multiple submitters, no conflicts (2 of 4 stars). 2 submissions from 2 submitters: Likely benign (2). Last evaluated 2025-07-14.

Conditions:
GRM6-related disorder. Also called: GRM6-related condition.

Submissions (2):

Labcorp Genetics (formerly Invitae), Labcorp
Classification: Likely benign. Last evaluated: 2025-07-14. Review status: criteria provided, single submitter. Criteria: Invitae Variant Classification Sherloc (09022015). Collection method: clinical testing. Allele origin: germline.

PreventionGenetics, part of Exact Sciences
Classification: Likely benign for GRM6-related condition. Last evaluated: 2024-11-04. Review status: criteria provided, single submitter. Criteria: ACMG Guidelines, 2015. Collection method: clinical testing. Allele origin: germline.
Comment: This variant is classified as likely benign based on ACMG/AMP sequence variant interpretation guidelines (Richards et al. 2015 PMID: 25741868, with internal and published modifications).